The following is an entry in ClinVar:

ClinVar aggregate classification (germline): Conflicting classifications of pathogenicity. Review status: criteria provided, conflicting classifications (1 of 4 stars). 3 submissions from 3 submitters: Uncertain significance (1); Likely benign (2). Last evaluated 2024-12-12.

Conditions:
RAI1-related disorder. Also called: RAI1-related condition.

Submissions (3):

Labcorp Genetics (formerly Invitae), Labcorp
Classification: Likely benign. Last evaluated: 2024-12-12. Review status: criteria provided, single submitter. Criteria: Invitae Variant Classification Sherloc (09022015). Collection method: clinical testing. Allele origin: germline.

PreventionGenetics, part of Exact Sciences
Classification: Uncertain significance for RAI1-related condition. Last evaluated: 2024-10-31. Review status: criteria provided, single submitter. Criteria: ACMG Guidelines, 2015. Collection method: clinical testing. Allele origin: germline.
Comment: The RAI1 c.855_872dup18 variant is predicted to result in an in-frame duplication (p.Gln286_Gln291dup). To our knowledge, this variant has not been reported in the literature or in a large population database (gnomAD), indicating this variant is rare. However, it occurs in a poly-glutamine repeat track that is not reliably sequenced by next generation sequencing alone. Therefore, the gnomAD data may not reflect the true population frequency of this allele. At this time, the clinical significance of this variant is uncertain due to the absence of conclusive functional and genetic evidence.

Blueprint Genetics
Classification: Likely benign. Last evaluated: 2024-09-18. Review status: criteria provided, single submitter. Criteria: ACMG Guidelines, 2015. Collection method: clinical testing. Allele origin: germline.

NM_030665.4(RAI1):c.834GCA[19] (p.Gln291_Ala292insGlnGlnGlnGlnGlnGln)

Gene: RAI1 (retinoic acid induced 1; plus strand). Cytogenetic location: 17p11.2.
Variant type: Microsatellite.
Coding change: c.834GCA[19] on transcript NM_030665.4 (MANE Select); 19 copies in a row of the 3-base unit GCA starting at c.834; the reference has 13 copies in a row; six copies, 18 bases duplicated.
Protein change: p.Gln291_Ala292insGlnGlnGlnGlnGlnGln.
Molecular consequence: inframe insertion.
Genome position (GRCh38, 1-based): chr17:17,793,803-17,793,820, GCAGCAGCAGCAGCAGCA duplicated; duplicating any 18 consecutive bases within chr17:17,793,780-17,793,820 gives the same sequence; the position shown is the placement nearest the transcript's 3' end. VCF-style (leftmost placement, unchanged base first): chr17-17793779-C-CCAGCAGCAGCAGCAGCAG. GRCh37 (hg19) VCF-style: chr17-17697093-C-CCAGCAGCAGCAGCAGCAG.
Other names: c.855_872dup18 (NM_030665.3).
Identifiers: ClinVar variation 2044841 (VCV002044841.6), dbSNP rs371983878, ClinGen allele CA981957230.